The following is an entry in ClinVar:

NM_006206.4(PDGFRA):c.-170C>T

Gene: PDGFRA (platelet derived growth factor receptor alpha; plus strand). Cytogenetic location: 4q12.
Variant type: single nucleotide variant.
Coding change: c.-170C>T on transcript NM_006206.4; 170 bases upstream of the start codon, C replaced by T.
Genome position (GRCh38, 1-based): chr4:54,229,258, C>T. VCF-style: chr4-54229258-C-T. GRCh37 (hg19) VCF-style: chr4-55095425-C-T.
Identifiers: ClinVar variation 348892 (VCV000348892.7), dbSNP rs183431225, ClinGen allele CA10621159.
Genomic context (GRCh38, chr4:54,229,258, plus strand): 5'-TTATTTCCTGACAGCTATTTACTTAGAGCAAATGATTAGTTTTAGAAGGATGGACTATAA[C>T]ATTGAATCAATTACAAAACGCGGTTTTTGAGCCCATTACTGTTGGAGCTACAGGGAGAGA-3'

ClinVar aggregate classification (germline): Benign/Likely benign. Review status: criteria provided, single submitter (1 of 4 stars). 2 submissions from 1 submitter: Benign (1); Likely benign (1). Last evaluated 2018-01-13.

Conditions:
Idiopathic hypereosinophilic syndrome (HES). Identifiers: Orphanet 3260, MedGen C0206141, MONDO:0011895, OMIM 607685. Disease mechanism: gain of function.
Gastrointestinal stromal tumor. Also called: Gastrointestinal stromal tumor, somatic; Gastrointestinal stroma tumor. Identifiers: Orphanet 44890, MedGen C0238198, MeSH D046152, MONDO:0011719, OMIM 606764, HP:0100723.

Allele frequency attached by ClinVar (database versions not stated): 1000 Genomes Project 30x 0.00390; gnomAD 0.00310 and 0.00289; TOPMed 0.00328; gnomAD exomes 0.00037; 1000 Genomes Project 0.00339.

Submissions (2):

Illumina Laboratory Services, Illumina
Classification: Likely benign for Gastrointestinal stromal tumor. Last evaluated: 2018-01-13. Review status: criteria provided, single submitter. Criteria: ICSL Variant Classification Criteria 13 December 2019. Collection method: clinical testing. Allele origin: germline.
Comment: This variant was observed in the ICSL laboratory as part of a predisposition screen in an ostensibly healthy population. It had not been previously curated by ICSL or reported in the Human Gene Mutation Database (HGMD: prior to June 1st, 2018), and was therefore a candidate for classification through an automated scoring system. Utilizing variant allele frequency, disease prevalence and penetrance estimates, and inheritance mode, an automated score was calculated to assess if this variant is too frequent to cause the disease. Based on the score and internal cut-off values, a variant classified as likely benign is not then subjected to further curation. The score for this variant resulted in a classification of likely benign for this disease.

Illumina Laboratory Services, Illumina
Classification: Benign for Idiopathic hypereosinophilic syndrome. Last evaluated: 2018-01-13. Review status: criteria provided, single submitter. Criteria: ICSL Variant Classification Criteria 13 December 2019. Collection method: clinical testing. Allele origin: germline.
Comment: This variant was observed in the ICSL laboratory as part of a predisposition screen in an ostensibly healthy population. It had not been previously curated by ICSL or reported in the Human Gene Mutation Database (HGMD: prior to June 1st, 2018), and was therefore a candidate for classification through an automated scoring system. Utilizing variant allele frequency, disease prevalence and penetrance estimates, and inheritance mode, an automated score was calculated to assess if this variant is too frequent to cause the disease. Based on the score and internal cut-off values, a variant classified as benign is not then subjected to further curation. The score for this variant resulted in a classification of benign for this disease.